The following is an entry in ClinVar:

ClinVar aggregate classification (germline): Uncertain significance (1 of 4 stars; one submission).

Conditions:
DICER1-related tumor predisposition. Also called: DICER1-related pleuropulmonary blastoma cancer predisposition syndrome; DICER1 syndrome. Identifiers: Orphanet 284343, MedGen C3839822, MONDO:0100216.

Submission:

Labcorp Genetics (formerly Invitae), Labcorp
Classification: Uncertain significance for DICER1-related tumor predisposition. Last evaluated: 2021-06-05. Review status: criteria provided, single submitter. Criteria: Invitae Variant Classification Sherloc (09022015). Collection method: clinical testing. Allele origin: germline.
Comment: This sequence change replaces methionine with isoleucine at codon 1456 of the DICER1 protein (p.Met1456Ile). The methionine residue is highly conserved and there is a small physicochemical difference between methionine and isoleucine. This variant is not present in population databases (ExAC no frequency). This variant has not been reported in the literature in individuals with DICER1-related conditions. Algorithms developed to predict the effect of missense changes on protein structure and function are either unavailable or do not agree on the potential impact of this missense change (SIFT: "Deleterious"; PolyPhen-2: "Benign"; Align-GVGD: "Class C0"). In summary, the available evidence is currently insufficient to determine the role of this variant in disease. Therefore, it has been classified as a Variant of Uncertain Significance.

NM_177438.3(DICER1):c.4368G>T (p.Met1456Ile)

Gene: DICER1 (dicer 1, ribonuclease III; minus strand). Cytogenetic location: 14q32.13.
Variant type: single nucleotide variant.
Coding change: c.4368G>T on transcript NM_177438.3 (MANE Select); coding-DNA position 4368, G replaced by T.
Protein change: p.Met1456Ile; replaces methionine 1456 with isoleucine.
Molecular consequence: missense variant.
Genome position (GRCh38, 1-based): chr14:95,096,552, C>A on the plus strand (G>T on the coding strand, the complement: DICER1 is on the minus strand). VCF-style: chr14-95096552-C-A. GRCh37 (hg19) VCF-style: chr14-95562889-C-A.
Other names: c.4368G>T, p.Met1456Ile (NM_001195573.1, NM_001271282.3, NM_001291628.2 and 1 more transcripts); short protein forms M1456I.
Identifiers: ClinVar variation 1420569 (VCV001420569.9), dbSNP rs1187851945, ClinGen allele CA390869021.
Genomic context (GRCh38, chr14:95,096,552, plus strand): 5'-ATCAGTGGTTGAAAAAGGAGAAAGAGAGATTTTCTTTACAAAAGCTCCTGACCCCATTAA[C>A]ATATTATCTATAAATCTGATATGTTCCTGATCATACTCCAGGAAATCATCTTCATAGTCA-3'
Protein context (NP_803187.1, residues 1446-1466): DQEHIRFIDN[Met1456Ile]LMGSGAFVKK